The following is an entry in ClinVar:

NM_004006.3(DMD):c.2249T>C (p.Phe750Ser)

Gene: DMD (dystrophin; minus strand). Cytogenetic location: Xp21.1.
Variant type: single nucleotide variant.
Coding change: c.2249T>C on transcript NM_004006.3 (MANE Select); coding-DNA position 2249, T replaced by C.
Protein change: p.Phe750Ser; replaces phenylalanine 750 with serine.
Molecular consequence: missense variant.
Genome position (GRCh38, 1-based): chrX:32,518,051, A>G on the plus strand (T>C on the coding strand, the complement: DMD is on the minus strand). VCF-style: chrX-32518051-A-G. GRCh37 (hg19) VCF-style: chrX-32536168-A-G.
Other names: c.2225T>C, p.Phe742Ser (NM_000109.4); c.2237T>C, p.Phe746Ser (NM_004009.3); c.1880T>C, p.Phe627Ser (NM_004010.3); short protein forms F750S, F742S, F746S, F627S.
Identifiers: ClinVar variation 498354 (VCV000498354.14), dbSNP rs377539940, ClinGen allele CA10379593.

ClinVar aggregate classification (germline): Conflicting classifications of pathogenicity. Review status: criteria provided, conflicting classifications (1 of 4 stars). 4 submissions from 4 submitters: Uncertain significance (2); Likely benign (1). 1 of the submissions does not count toward it. Last evaluated 2025-10-07.

Conditions:
Duchenne muscular dystrophy (DMD). Also called: MUSCULAR DYSTROPHY, PSEUDOHYPERTROPHIC PROGRESSIVE, DUCHENNE TYPE; Duchenne Muscular Dystrophy (DMD). Identifiers: Orphanet 98896, MedGen C0013264, MONDO:0010679, OMIM 310200.
Cardiovascular phenotype. Identifiers: MedGen CN230736.
Cardiomyopathy (CMYO). Also called: Cardiomyopathies. Identifiers: Orphanet 167848, MedGen C0878544, MONDO:0004994, HP:0001638. Inheritance: Various modes of inheritance.
Becker muscular dystrophy (BMD). Also called: MUSCULAR DYSTROPHY, PSEUDOHYPERTROPHIC PROGRESSIVE, BECKER TYPE; Becker Muscular Dystrophy (BMD). Identifiers: Orphanet 98895, MedGen C0917713, MONDO:0010311, OMIM 300376.
Dystrophin deficiency.

Allele frequency attached by ClinVar (database versions not stated): gnomAD exomes 0.00002 and 0.00003; gnomAD 0.00003; TOPMed 0.00005; ExAC 0.00006; ESP Exome Variant Server 0.00009.
gnomAD v4.1: 24 of 1,208,647 alleles (0.002%); highest among the groups gnomAD compares: Non-Finnish European, 0.0026%; no homozygotes.

Submissions (4):

Labcorp Genetics (formerly Invitae), Labcorp
Classification: Likely benign for Duchenne muscular dystrophy. Last evaluated: 2025-10-07. Review status: criteria provided, single submitter. Criteria: Invitae Variant Classification Sherloc (09022015). Collection method: clinical testing. Allele origin: germline.

Ambry Genetics
Classification: Uncertain significance for Cardiovascular phenotype. Last evaluated: 2020-05-26. Review status: criteria provided, single submitter. Criteria: Ambry Variant Classification Scheme 2023. Collection method: clinical testing. Allele origin: germline.
Comment: The p.F750S variant (also known as c.2249T>C), located in coding exon 18 of the DMD gene, results from a T to C substitution at nucleotide position 2249. The phenylalanine at codon 750 is replaced by serine, an amino acid with highly dissimilar properties. Based on data from gnomAD, the C allele has an overall frequency of 0.003% (5/183216) total alleles studied, including 2 hemizygotes. The highest observed frequency was 0.006% (5/81772) of non-Finnish European alleles. This amino acid position is poorly conserved in available vertebrate species. In addition, this alteration is predicted to be tolerated by in silico analysis. Since supporting evidence is limited at this time, the clinical significance of this alteration remains unclear.

Eurofins Ntd Llc (ga)
Classification: Uncertain significance. Last evaluated: 2016-11-28. Review status: criteria provided, single submitter. Criteria: EGL Classification Definitions 2015. Collection method: clinical testing. Allele origin: germline. Observed: 1 variant allele, 1 heterozygote.

Natera, Inc.
Classification: Uncertain significance for Becker muscular dystrophy; Cardiomyopathy; Duchenne muscular dystrophy; Dystrophin deficiency. Last evaluated: 2018-11-06. Review status: no assertion criteria provided. Collection method: clinical testing. Allele origin: germline. Not counted in ClinVar's aggregate classification.